The following is an entry in ClinVar:

NM_014249.4(NR2E3):c.874del (p.Arg292fs)

Gene: NR2E3 (nuclear receptor subfamily 2 group E member 3; plus strand). Cytogenetic location: 15q23.
Variant type: Deletion.
Coding change: c.874del on transcript NM_014249.4 (MANE Select); coding-DNA position 874, one base deleted (C; older notation c.874delC).
Protein change: p.Arg292fs; shifts the reading frame from arginine 292.
Molecular consequence: frameshift variant.
Genome position (GRCh38, 1-based): chr15:71,813,515, C deleted; the last of 2 consecutive C bases (chr15:71,813,514-71,813,515); deleting either gives the same sequence. VCF-style (leftmost placement, unchanged base first): chr15-71813513-GC-G. GRCh37 (hg19) VCF-style: chr15-72105853-GC-G.
Other names: c.874del (NM_014249.2); c.874del, p.Arg292fs (NM_016346.4); c.874delC (NM_014249.3); short protein forms R292fs.
Identifiers: ClinVar variation 1452315 (VCV001452315.11), dbSNP rs1449781976, ClinGen allele CA715431049.

ClinVar aggregate classification (germline): Pathogenic/Likely pathogenic. Review status: criteria provided, multiple submitters, no conflicts (2 of 4 stars). 4 submissions from 4 submitters: Pathogenic (2); Likely pathogenic (2). Last evaluated 2025-09-13.

Conditions:
Enhanced S-cone syndrome (ESCS). Identifiers: Orphanet 53540, MedGen C1849394, MONDO:0100288, MONDO:0009989.

Submissions (4):

Labcorp Genetics (formerly Invitae), Labcorp
Classification: Pathogenic. Last evaluated: 2025-09-13. Review status: criteria provided, single submitter. Criteria: Invitae Variant Classification Sherloc (09022015). Collection method: clinical testing. Allele origin: germline.
Comment: This sequence change creates a premature translational stop signal (p.Arg292Glyfs*32) in the NR2E3 gene. It is expected to result in an absent or disrupted protein product. Loss-of-function variants in NR2E3 are known to be pathogenic (PMID: 15459973, 27522502). This variant is not present in population databases (gnomAD no frequency). This variant has not been reported in the literature in individuals affected with NR2E3-related conditions. ClinVar contains an entry for this variant (Variation ID: 1452315). For these reasons, this variant has been classified as Pathogenic.

GeneDx
Classification: Pathogenic. Last evaluated: 2025-07-29. Review status: criteria provided, single submitter. Criteria: GeneDx Variant Classification Process June 2021. Collection method: clinical testing. Allele origin: germline. Affected: yes.
Comment: Has not been previously published as pathogenic or benign to our knowledge; Frameshift variant predicted to result in protein truncation or nonsense mediated decay in a gene for which loss of function is a known mechanism of disease; Not observed at significant frequency in large population cohorts (gnomAD)

Natera, Inc.
Classification: Likely pathogenic for Enhanced S cone syndrome. Last evaluated: 2024-03-26. Review status: criteria provided, single submitter. Criteria: Natera Variant Classification Schema (03/2026). Collection method: clinical testing. Allele origin: germline.
Comment: The c.874delC variant in NR2E3 is a frameshift variant predicted to shift the reading frame beginning at codon 292 and leads to a stop codon 32 codons downstream. This variant is expected to result in nonsense mediated decay, truncation, or a dysfunctional protein product. This variant is rare in the general population with a frequency below the threshold expected for the associated phenotype(s). Given the available evidence, this variant is classified as Likely Pathogenic.

Baylor Genetics
Classification: Likely pathogenic for ENHANCED S-CONE SYNDROME 1. Last evaluated: 2023-11-08. Review status: criteria provided, single submitter. Criteria: ACMG Guidelines, 2015. Collection method: clinical testing. Allele origin: unknown.

Literature cited by the submitters: PubMed 15459973 (cited by Labcorp Genetics (formerly Invitae), Labcorp); PubMed 27522502 (cited by Labcorp Genetics (formerly Invitae), Labcorp).